The following is an entry in ClinVar:

NM_000070.3(CAPN3):c.1536G>C (p.Glu512Asp)

Gene: CAPN3 (calpain 3; plus strand). Cytogenetic location: 15q15.1.
Variant type: single nucleotide variant.
Coding change: c.1536G>C on transcript NM_000070.3 (MANE Select); coding-DNA position 1536, G replaced by C.
Protein change: p.Glu512Asp; replaces glutamic acid 512 with aspartic acid.
Molecular consequence: missense variant.
Genome position (GRCh38, 1-based): chr15:42,402,135, G>C. VCF-style: chr15-42402135-G-C. GRCh37 (hg19) VCF-style: chr15-42694333-G-C.
Other names: c.1536G>C, p.Glu512Asp (NM_024344.2); c.1392G>C, p.Glu464Asp (NM_173087.2); short protein forms E464D, E512D.
Identifiers: ClinVar variation 3362912 (VCV003362912.2).
Genomic context (GRCh38, chr15:42,402,135, plus strand): 5'-CTCATCCTCATTCACATCTGAAGCATCTTCCTTTCTGTTTCTTCTCAAGGTTCCCAAAGA[G>C]GTATAGCAGCAGCAGCGGCCAGCAGTTGTGTGCAGCACTACCCAGGGGGCCCCGAGTCTG-3'
Protein context (NP_000061.1, residues 502-522): IGFAIYEVPK[Glu512Asp]MHGNKQHLQK

ClinVar aggregate classification (germline): Conflicting classifications of pathogenicity. Review status: criteria provided, conflicting classifications (1 of 4 stars). 2 submissions from 2 submitters: Likely pathogenic (1); Uncertain significance (1). Last evaluated 2024-10-10.

Conditions:
Autosomal recessive limb-girdle muscular dystrophy type 2A (LGMDR1). Also called: MUSCULAR DYSTROPHY, PELVOFEMORAL; Limb-girdle muscular dystrophy, type 2A; LEYDEN-MOEBIUS MUSCULAR DYSTROPHY; Muscular dystrophy, limb-girdle, type 2A, Amish; Calpainopathy. Identifiers: Orphanet 267, MedGen C1869123, MONDO:0009675, OMIM 253600. Disease mechanism: loss of function.

gnomAD v4.1: 2 of 1,614,096 alleles (0.00012%); no homozygotes.

Submissions (2):

Medical Molecular Genetics Department, National Research Center
Classification: Likely pathogenic for Autosomal recessive limb-girdle muscular dystrophy type 2A. Last evaluated: 2024-10-10. Review status: criteria provided, single submitter. Criteria: ACMG Guidelines, 2015. Collection method: clinical testing. Allele origin: germline. Affected: yes.
Comment: By applying ACMG guidelines: According to insilico studies, the variant is classified as deleterious (PP3),our study patient’s clinical phenotype is typically correlated to the disease (PP4), it showed an extremely low frequency in gnomAD population databases (PS4) additionally, by segregation analysis: the affected proband showed the same variant at the homozygous status in CAPN3 while his healthy sibling showed the wild genotype (PP1). according to this data it is considered as likely pathogenic by ACMG guidlines.

3billion
Classification: Uncertain significance for Autosomal recessive limb-girdle muscular dystrophy type 2A. Last evaluated: 2023-06-30. Review status: criteria provided, single submitter. Criteria: ACMG Guidelines, 2015. Collection method: clinical testing. Allele origin: germline. Affected: yes.
Comment: The variant is observed at an extremely low frequency in the gnomAD v2.1.1 dataset (total allele frequency: <0.001%). Predicted Consequence/Location: Missense variant in a gene for which most of the known disease causing variants are loss-of-function variants. However, SpliceAI prediction score is 0.28 for acceptor gain and the possibility of the variant resulting in abnormal splicing cannot be excluded. Therefore, this variant is classified as VUS according to the recommendation of ACMG/AMP guideline.